The following is an entry in ClinVar:

NM_001001957.2(OR2W3):c.557G>A (p.Arg186Gln)

Gene: OR2W3 (olfactory receptor family 2 subfamily W member 3; plus strand). Cytogenetic location: 1q44.
Variant type: single nucleotide variant.
Coding change: c.557G>A on transcript NM_001001957.2 (MANE Select); coding-DNA position 557, G replaced by A.
Protein change: p.Arg186Gln; replaces arginine 186 with glutamine.
Molecular consequence: missense variant.
Genome position (GRCh38, 1-based): chr1:247,896,143, G>A. VCF-style: chr1-247896143-G-A. GRCh37 (hg19) VCF-style: chr1-248059445-G-A.
Other names: short protein forms R186Q.
Identifiers: ClinVar variation 2047049 (VCV002047049.4), dbSNP rs201932045, ClinGen allele CA1498633.

ClinVar aggregate classification (germline): Uncertain significance (1 of 4 stars; one submission).

Allele frequency attached by ClinVar (database versions not stated): 1000 Genomes Project 30x 0.00016; TOPMed 0.00007; gnomAD 0.00011; 1000 Genomes Project 0.00020; ExAC 0.00004.

Submission:

Labcorp Genetics (formerly Invitae), Labcorp
Classification: Uncertain significance. Last evaluated: 2025-01-13. Review status: criteria provided, single submitter. Criteria: Invitae Variant Classification Sherloc (09022015). Collection method: clinical testing. Allele origin: germline.
Comment: This sequence change replaces arginine, which is basic and polar, with glutamine, which is neutral and polar, at codon 186 of the OR2W3 protein (p.Arg186Gln). This variant is present in population databases (rs201932045, gnomAD 0.02%). This variant has not been reported in the literature in individuals affected with OR2W3-related conditions. ClinVar contains an entry for this variant (Variation ID: 2047049). An algorithm developed to predict the effect of missense changes on protein structure and function outputs the following: PolyPhen-2: "Benign". The glutamine amino acid residue is found in multiple mammalian species, which suggests that this missense change does not adversely affect protein function. In summary, the available evidence is currently insufficient to determine the role of this variant in disease. Therefore, it has been classified as a Variant of Uncertain Significance.